The following is an entry in ClinVar:

NM_139318.5(KCNH5):c.2166G>T (p.Gln722His)

Gene: KCNH5 (potassium voltage-gated channel subfamily H member 5; minus strand). Cytogenetic location: 14q23.2.
Variant type: single nucleotide variant.
Coding change: c.2166G>T on transcript NM_139318.5 (MANE Select); coding-DNA position 2166, G replaced by T.
Protein change: p.Gln722His; replaces glutamine 722 with histidine.
Molecular consequence: missense variant. On other transcripts: 3 prime UTR variant (1).
Genome position (GRCh38, 1-based): chr14:62,708,309, C>A on the plus strand (G>T on the coding strand, the complement: KCNH5 is on the minus strand). VCF-style: chr14-62708309-C-A. GRCh37 (hg19) VCF-style: chr14-63175027-C-A.
Other names: c.*133G>T (NM_172375.3); short protein forms Q722H.
Identifiers: ClinVar variation 1507661 (VCV001507661.9), dbSNP rs2139899426, ClinGen allele CA390101193.

ClinVar aggregate classification (germline): Uncertain significance (1 of 4 stars; one submission).

Conditions:
Early-infantile DEE. Also called: Early infantile epileptic encephalopathy; Ohtahara syndrome; Early infantile epileptic encephalopathy with suppression bursts. Identifiers: Orphanet 1934, MedGen C0393706, MONDO:0800491.

Submission:

Labcorp Genetics (formerly Invitae), Labcorp
Classification: Uncertain significance for Early-infantile DEE. Last evaluated: 2021-02-04. Review status: criteria provided, single submitter. Criteria: Invitae Variant Classification Sherloc (09022015). Collection method: clinical testing. Allele origin: germline.
Comment: In summary, the available evidence is currently insufficient to determine the role of this variant in disease. Therefore, it has been classified as a Variant of Uncertain Significance. Advanced modeling of protein sequence and biophysical properties (such as structural, functional, and spatial information, amino acid conservation, physicochemical variation, residue mobility, and thermodynamic stability) performed at Invitae indicates that this missense variant is not expected to disrupt KCNH5 protein function. This variant has not been reported in the literature in individuals with KCNH5-related conditions. This variant is not present in population databases (ExAC no frequency). This sequence change replaces glutamine with histidine at codon 722 of the KCNH5 protein (p.Gln722His). The glutamine residue is moderately conserved and there is a small physicochemical difference between glutamine and histidine.